The following is an entry in ClinVar:

ClinVar aggregate classification (germline): Uncertain significance. Review status: criteria provided, multiple submitters, no conflicts (2 of 4 stars). 3 submissions from 3 submitters: Uncertain significance (3). Last evaluated 2026-05-04.

Conditions:
Inborn genetic diseases. Identifiers: MedGen C0950123, MeSH D030342.
CACNA1F-related disorder. Also called: CACNA1F-related condition.

Allele frequency attached by ClinVar (database versions not stated): gnomAD exomes below 0.00001 and 0.00002; gnomAD 0.00001; TOPMed 0.00001; ExAC 0.00003.

Submissions (3):

PreventionGenetics, part of Exact Sciences
Classification: Uncertain significance for CACNA1F-related condition. Last evaluated: 2026-05-04. Review status: criteria provided, single submitter. Criteria: ACMG Guidelines, 2015. Collection method: clinical testing. Allele origin: germline.
Comment: The CACNA1F c.4114G>A variant is predicted to result in the amino acid substitution p.Ala1372Thr. To our knowledge, this variant has not been reported in the literature. This variant is reported in 0.011% of alleles in individuals of Latino descent in gnomAD. At this time, the clinical significance of this variant is uncertain due to the absence of conclusive functional and genetic evidence.

Ambry Genetics
Classification: Uncertain significance for Inborn genetic diseases. Last evaluated: 2026-04-16. Review status: criteria provided, single submitter. Criteria: Ambry Variant Classification Scheme 2023. Collection method: clinical testing. Allele origin: germline.
Comment: The c.4114G>A (p.A1372T) alteration is located in exon 35 (coding exon 35) of the CACNA1F gene. This alteration results from a G to A substitution at nucleotide position 4114, causing the alanine (A) at amino acid position 1372 to be replaced by a threonine (T). Based on data from gnomAD, the A allele has an overall frequency of 0.002% (3/183282) total alleles studied. The highest observed frequency was 0.011% (3/27426) of Latino alleles. Based on insufficient or conflicting evidence, the clinical significance of this alteration remains unclear.

Labcorp Genetics (formerly Invitae), Labcorp
Classification: Uncertain significance. Last evaluated: 2025-08-18. Review status: criteria provided, single submitter. Criteria: Invitae Variant Classification Sherloc (09022015). Collection method: clinical testing. Allele origin: germline.
Comment: This sequence change replaces alanine, which is neutral and non-polar, with threonine, which is neutral and polar, at codon 1372 of the CACNA1F protein (p.Ala1372Thr). This variant is present in population databases (rs782156786, gnomAD 0.02%). This variant has not been reported in the literature in individuals affected with CACNA1F-related conditions. ClinVar contains an entry for this variant (Variation ID: 853547). Invitae Evidence Modeling of protein sequence and biophysical properties (such as structural, functional, and spatial information, amino acid conservation, physicochemical variation, residue mobility, and thermodynamic stability) has been performed for this missense variant. However, the output from this modeling did not meet the statistical confidence thresholds required to predict the impact of this variant on CACNA1F protein function. In summary, the available evidence is currently insufficient to determine the role of this variant in disease. Therefore, it has been classified as a Variant of Uncertain Significance.

NM_001256789.3(CACNA1F):c.4081G>A (p.Ala1361Thr)

Gene: CACNA1F (calcium voltage-gated channel subunit alpha1 F; minus strand). Cytogenetic location: Xp11.23.
Variant type: single nucleotide variant.
Coding change: c.4081G>A on transcript NM_001256789.3 (MANE Select); coding-DNA position 4081, G replaced by A.
Protein change: p.Ala1361Thr; replaces alanine 1361 with threonine.
Molecular consequence: missense variant.
Genome position (GRCh38, 1-based): chrX:49,211,917, C>T on the plus strand (G>A on the coding strand, the complement: CACNA1F is on the minus strand). VCF-style: chrX-49211917-C-T. GRCh37 (hg19) VCF-style: chrX-49068377-C-T.
Other names: c.3919G>A, p.Ala1307Thr (NM_001256790.3); c.4114G>A, p.Ala1372Thr (NM_005183.4); c.4114G>A (NM_005183.2); short protein forms A1361T, A1372T, A1307T.
Identifiers: ClinVar variation 853547 (VCV000853547.11), dbSNP rs782156786, ClinGen allele CA10410274.